The following is an entry in ClinVar:

NM_033380.3(COL4A5):c.2024G>A (p.Gly675Asp)

Gene: COL4A5 (collagen type IV alpha 5 chain; plus strand). Cytogenetic location: Xq22.3.
Variant type: single nucleotide variant.
Coding change: c.2024G>A on transcript NM_033380.3 (MANE Select); coding-DNA position 2024, G replaced by A.
Protein change: p.Gly675Asp; replaces glycine 675 with aspartic acid.
Molecular consequence: missense variant.
Genome position (GRCh38, 1-based): chrX:108,601,468, G>A. VCF-style: chrX-108601468-G-A. GRCh37 (hg19) VCF-style: chrX-107844698-G-A.
Other names: p.Gly675Asp; c.2024G>A, p.Gly675Asp (NM_000495.5); short protein forms G675D.
Identifiers: ClinVar variation 2138700 (VCV002138700.5), dbSNP rs2524325926, ClinGen allele CA413846847.
Genomic context (GRCh38, chrX:108,601,468, plus strand): 5'-CAGGTCAGACTATAACCCAGCCGGGGAAGCCTGGCTTGCCTGGTAACCCAGGCAGAGATG[G>A]TGATGTAGGTCTTCCAGGTATGTGAGGAATTTATTTCAAAGTAACTTCAACACCGATGGC-3'
Protein context (NP_203699.1, residues 665-685): PGLPGNPGRD[Gly675Asp]DVGLPGDPGL

ClinVar aggregate classification (germline): Pathogenic/Likely pathogenic. Review status: criteria provided, multiple submitters, no conflicts (2 of 4 stars). 2 submissions from 2 submitters: Pathogenic (1); Likely pathogenic (1). Last evaluated 2025-12-18.

Submissions (2):

Mayo Clinic Laboratories, Mayo Clinic
Classification: Pathogenic. Last evaluated: 2025-12-18. Review status: criteria provided, single submitter. Criteria: ACMG Guidelines, 2015. Collection method: clinical testing. Allele origin: germline. Observed: 1 variant allele.
Comment: PP3_strong, PM1_strong, PM2_supporting, PS4_moderate

Labcorp Genetics (formerly Invitae), Labcorp
Classification: Likely pathogenic. Last evaluated: 2022-07-25. Review status: criteria provided, single submitter. Criteria: Invitae Variant Classification Sherloc (09022015). Collection method: clinical testing. Allele origin: germline.
Comment: In summary, the currently available evidence indicates that the variant is pathogenic, but additional data are needed to prove that conclusively. Therefore, this variant has been classified as Likely Pathogenic. This variant disrupts the p.Gly675 amino acid residue in COL4A5. Other variant(s) that disrupt this residue have been observed in individuals with COL4A5-related conditions (PMID: 33040356), which suggests that this may be a clinically significant amino acid residue. This variant disrupts the triple helix domain of COL4A5. Glycine residues within the Gly-Xaa-Yaa repeats of the triple helix domain are required for the structure and stability of fibrillar collagens (PMID: 7695699, 8218237, 19344236). In COL4A5, missense variants at these glycine residues are significantly enriched in individuals with disease (PMID: 23720012, 27627812) compared to the general population (ExAC). Advanced modeling of protein sequence and biophysical properties (such as structural, functional, and spatial information, amino acid conservation, physicochemical variation, residue mobility, and thermodynamic stability) performed at Invitae indicates that this missense variant is expected to disrupt COL4A5 protein function. This missense change has been observed in individual(s) with Alport Syndrome (PMID: 28542346). This variant is not present in population databases (gnomAD no frequency). This sequence change replaces glycine, which is neutral and non-polar, with aspartic acid, which is acidic and polar, at codon 675 of the COL4A5 protein (p.Gly675Asp).

Literature cited by the submitters: PubMed 28542346 (cited by Mayo Clinic Laboratories, Mayo Clinic and Labcorp Genetics (formerly Invitae), Labcorp); PubMed 33040356 (cited by Labcorp Genetics (formerly Invitae), Labcorp); PubMed 7695699 (cited by Labcorp Genetics (formerly Invitae), Labcorp); PubMed 8218237 (cited by Labcorp Genetics (formerly Invitae), Labcorp); PubMed 19344236 (cited by Labcorp Genetics (formerly Invitae), Labcorp); PubMed 23720012 (cited by Labcorp Genetics (formerly Invitae), Labcorp); PubMed 27627812 (cited by Labcorp Genetics (formerly Invitae), Labcorp).